The following is an entry in ClinVar:

ClinVar aggregate classification (germline): Pathogenic/Likely pathogenic. Review status: criteria provided, multiple submitters, no conflicts (2 of 4 stars). 3 submissions from 3 submitters: Pathogenic (1); Likely pathogenic (2). Last evaluated 2026-01-02.

Conditions:
Muscular dystrophy, limb-girdle, autosomal recessive 23. Identifiers: Orphanet 565837, MedGen C4748327, MONDO:0029136, OMIM 618138.
Merosin deficient congenital muscular dystrophy (MDC1A). Also called: Congenital merosin-deficient muscular dystrophy 1A; Congenital Muscular Dystrophy Type 1A (MDC1A). Identifiers: Orphanet 258, MedGen C1263858, MONDO:0011925, OMIM 607855.
LAMA2-related muscular dystrophy (LAMA2-RD). Also called: Laminin alpha 2-related dystrophy. Identifiers: MedGen C5679788, MONDO:0100228.

Allele frequency attached by ClinVar (database versions not stated): ExAC 0.00001; gnomAD 0.00002; gnomAD exomes 0.00002 and 0.00001; TOPMed 0.00001.

Submissions (3):

Labcorp Genetics (formerly Invitae), Labcorp
Classification: Pathogenic for LAMA2-related muscular dystrophy. Last evaluated: 2026-01-02. Review status: criteria provided, single submitter. Criteria: Invitae Variant Classification Sherloc (09022015). Collection method: clinical testing. Allele origin: germline.
Comment: This sequence change creates a premature translational stop signal (p.Leu2460Serfs*2) in the LAMA2 gene. It is expected to result in an absent or disrupted protein product. Loss-of-function variants in LAMA2 are known to be pathogenic (PMID: 18700894, 32904964). This variant is present in population databases (rs749566145, gnomAD 0.06%). This premature translational stop signal has been observed in individual(s) with congenital muscular dystrophy (PMID: 11938437, 21520333). This variant is also known as 7426insT. ClinVar contains an entry for this variant (Variation ID: 959370). For these reasons, this variant has been classified as Pathogenic.

Baylor Genetics
Classification: Likely pathogenic for Merosin deficient congenital muscular dystrophy. Last evaluated: 2024-03-14. Review status: criteria provided, single submitter. Criteria: ACMG Guidelines, 2015. Collection method: clinical testing. Allele origin: unknown.

Fulgent Genetics
Classification: Likely pathogenic for Merosin deficient congenital muscular dystrophy; Muscular dystrophy, limb-girdle, autosomal recessive 23. Last evaluated: 2022-01-05. Review status: criteria provided, single submitter. Criteria: ACMG Guidelines, 2015. Collection method: clinical testing. Allele origin: unknown.

Literature cited by the submitters: PubMed 18700894 (cited by Labcorp Genetics (formerly Invitae), Labcorp); PubMed 32904964 (cited by Labcorp Genetics (formerly Invitae), Labcorp); PubMed 11938437 (cited by Labcorp Genetics (formerly Invitae), Labcorp); PubMed 21520333 (cited by Labcorp Genetics (formerly Invitae), Labcorp).

NM_000426.4(LAMA2):c.7377dup (p.Leu2460fs)

Gene: LAMA2 (laminin subunit alpha 2; plus strand). Cytogenetic location: 6q22.33.
Variant type: Duplication.
Coding change: c.7377dup on transcript NM_000426.4 (MANE Select); coding-DNA position 7377, one base duplicated (T; older notation c.7377dupT).
Protein change: p.Leu2460fs; shifts the reading frame from leucine 2460.
Molecular consequence: frameshift variant.
Genome position (GRCh38, 1-based): chr6:129,473,290, T duplicated. VCF-style (leftmost placement, unchanged base first): chr6-129473289-G-GT. GRCh37 (hg19) VCF-style: chr6-129794434-G-GT.
Other names: c.7377dup, p.Leu2460fs (NM_001079823.2); short protein forms L2460fs.
Identifiers: ClinVar variation 959370 (VCV000959370.12), dbSNP rs749566145, ClinGen allele CA3994530.
Genomic context (GRCh38, chr6:129,473,289, plus strand): 5'-TAGATATAGATACTAATCAGGAGGAGAATATAGCAACTTCGTCTTCTGGAAACAACTTTG[G>GT]TCTTGACTTGAAAGCAGATGACAAAATATATTTTGGTGGCCTGCCAACGCTGAGAAACTT-3'